The following is an entry in ClinVar:

ClinVar aggregate classification (germline): Likely pathogenic (1 of 4 stars; one submission).

Conditions:
KBG syndrome (KBGS). Also called: ANKRD11-Related KBG Syndrome. Identifiers: Orphanet 2332, MedGen C0220687, MONDO:0007846, OMIM 148050.

Submission:

Dasa
Classification: Likely pathogenic for KBG syndrome. Last evaluated: 2025-10-09. Review status: criteria provided, single submitter. Criteria: DASA Assertion Criteria. Collection method: clinical testing. Allele origin: germline.
Comment: NM_013275.6(ANKRD11):c.7726A>T (p.Lys2576*) is a nonsense variant in ANKRD11 predicted to introduce a premature termination codon and is predicted to result in an absent or altered protein product. Loss of function is an established disease mechanism for ANKRD11 (PMID: 21782149; PMID: 35330407; PMID: 28422132). Also, this variant is absent from population databases. Based on the currently available evidence, this variant is classified as likely pathogenic.

Literature cited by the submitters: PubMed 21782149; PubMed 35330407; PubMed 28422132.

NM_013275.6(ANKRD11):c.7726A>T (p.Lys2576Ter)

Gene: ANKRD11 (ankyrin repeat domain 11; minus strand). Cytogenetic location: 16q24.3.
Variant type: single nucleotide variant.
Coding change: c.7726A>T on transcript NM_013275.6 (MANE Select); coding-DNA position 7726, A replaced by T.
Protein change: p.Lys2576Ter; replaces lysine 2576 with a stop codon.
Molecular consequence: nonsense.
Genome position (GRCh38, 1-based): chr16:89,270,897, T>A on the plus strand (A>T on the coding strand, the complement: ANKRD11 is on the minus strand). VCF-style: chr16-89270897-T-A. GRCh37 (hg19) VCF-style: chr16-89337305-T-A.
Other names: c.7726A>T, p.Lys2576Ter (NM_001256182.2, NM_001256183.2); short protein forms K2576*.
Identifiers: ClinVar variation 4884164 (VCV004884164.2).